The following is an entry in ClinVar:

NM_000540.3(RYR1):c.6949G>C (p.Gly2317Arg)

Gene: RYR1 (ryanodine receptor 1; plus strand). Cytogenetic location: 19q13.2.
Variant type: single nucleotide variant.
Coding change: c.6949G>C on transcript NM_000540.3 (MANE Select); coding-DNA position 6949, G replaced by C.
Protein change: p.Gly2317Arg; replaces glycine 2317 with arginine.
Molecular consequence: missense variant.
Genome position (GRCh38, 1-based): chr19:38,499,165, G>C. VCF-style: chr19-38499165-G-C. GRCh37 (hg19) VCF-style: chr19-38989805-G-C.
Other names: c.6949G>C, p.Gly2317Arg (NM_001042723.2); short protein forms G2317R.
Identifiers: ClinVar variation 3949040 (VCV003949040.2).

ClinVar aggregate classification (germline): Uncertain significance. Review status: criteria provided, multiple submitters, no conflicts (2 of 4 stars). 2 submissions from 2 submitters: Uncertain significance (2). Last evaluated 2025-06-07.

Conditions:
Inborn genetic diseases. Identifiers: MedGen C0950123, MeSH D030342.
Malignant hyperthermia, susceptibility to, 1 (MHS1). Also called: Anesthesia related hyperthermia; Malignant hyperpyrexia; Fulminating hyperpyrexia; Pharmacogenic myopathy; RYR1-Related Malignant Hyperthermia Susceptibility; Malignant hyperthermia suceptibility 1. Identifiers: Orphanet 423, MedGen C2930980, MONDO:0007783, OMIM 145600.

gnomAD v4.1: 14 of 1,614,194 alleles (0.00087%); highest among the groups gnomAD compares: Non-Finnish European, 0.0011%; no homozygotes.

Submissions (2):

Ambry Genetics
Classification: Uncertain significance for Inborn genetic diseases. Last evaluated: 2025-06-07. Review status: criteria provided, single submitter. Criteria: Ambry Variant Classification Scheme 2023. Collection method: clinical testing. Allele origin: germline.

Color Diagnostics, LLC DBA Color Health
Classification: Uncertain significance for Malignant hyperthermia, susceptibility to, 1. Last evaluated: 2025-06-03. Review status: criteria provided, single submitter. Criteria: ACMG Guidelines, 2015. Collection method: clinical testing. Allele origin: germline.
Comment: This missense variant replaces glycine with arginine at codon 2317 of the RYR1 protein. Computational prediction suggests that this variant may have deleterious impact on protein structure and function. To our knowledge, functional studies have not been reported for this variant. This variant has not been reported in individuals affected with RYR1-related disorders in the literature. This variant has not been identified in the general population by the Genome Aggregation Database (gnomAD). The available evidence is insufficient to determine the role of this variant in disease conclusively. Therefore, this variant is classified as a Variant of Uncertain Significance.